The following is an entry in ClinVar:

ClinVar aggregate classification (germline): Uncertain significance. Review status: criteria provided, multiple submitters, no conflicts (2 of 4 stars). 2 submissions from 2 submitters: Uncertain significance (2). Last evaluated 2025-08-05.

gnomAD v4.1: 23 of 1,614,056 alleles (0.0014%); highest among the groups gnomAD compares: Non-Finnish European, 0.0019%; no homozygotes.

Submissions (2):

GeneDx
Classification: Uncertain significance. Last evaluated: 2025-08-05. Review status: criteria provided, single submitter. Criteria: GeneDx Variant Classification Process June 2021. Collection method: clinical testing. Allele origin: germline. Affected: yes.
Comment: Not observed at significant frequency in large population cohorts (gnomAD); In silico analysis supports that this missense variant has a deleterious effect on protein structure/function; Has not been previously published as pathogenic or benign to our knowledge

Labcorp Genetics (formerly Invitae), Labcorp
Classification: Uncertain significance. Last evaluated: 2022-11-01. Review status: criteria provided, single submitter. Criteria: Invitae Variant Classification Sherloc (09022015). Collection method: clinical testing. Allele origin: germline.
Comment: ClinVar contains an entry for this variant (Variation ID: 849761). This variant has not been reported in the literature in individuals affected with PDZD7-related conditions. This variant is present in population databases (rs146641918, gnomAD 0.003%). This sequence change replaces glycine, which is neutral and non-polar, with arginine, which is basic and polar, at codon 195 of the PDZD7 protein (p.Gly195Arg). In summary, the available evidence is currently insufficient to determine the role of this variant in disease. Therefore, it has been classified as a Variant of Uncertain Significance. Advanced modeling of protein sequence and biophysical properties (such as structural, functional, and spatial information, amino acid conservation, physicochemical variation, residue mobility, and thermodynamic stability) performed at Invitae indicates that this missense variant is not expected to disrupt PDZD7 protein function.

NM_001195263.2(PDZD7):c.583G>C (p.Gly195Arg)

Gene: PDZD7 (PDZ domain containing 7; minus strand). Cytogenetic location: 10q24.31.
Variant type: single nucleotide variant.
Coding change: c.583G>C on transcript NM_001195263.2 (MANE Select); coding-DNA position 583, G replaced by C.
Protein change: p.Gly195Arg; replaces glycine 195 with arginine.
Molecular consequence: missense variant.
Genome position (GRCh38, 1-based): chr10:101,022,345, C>G on the plus strand (G>C on the coding strand, the complement: PDZD7 is on the minus strand). VCF-style: chr10-101022345-C-G. GRCh37 (hg19) VCF-style: chr10-102782102-C-G.
Other names: c.583G>C, p.Gly195Arg (NM_001351044.2, NM_024895.5); short protein forms G195R.
Identifiers: ClinVar variation 849761 (VCV000849761.9), dbSNP rs146641918, ClinGen allele CA5654327.